The following is an entry in ClinVar:

NM_004525.3(LRP2):c.79+15A>G

Gene: LRP2 (LDL receptor related protein 2; minus strand). Cytogenetic location: 2q31.1.
Variant type: single nucleotide variant.
Coding change: c.79+15A>G on transcript NM_004525.3 (MANE Select); 15 bases into the intron after coding-DNA position 79, A replaced by G.
Molecular consequence: intron variant.
Genome position (GRCh38, 1-based): chr2:169,362,306, T>C on the plus strand (A>G on the coding strand, the complement: LRP2 is on the minus strand). VCF-style: chr2-169362306-T-C. GRCh37 (hg19) VCF-style: chr2-170218816-T-C.
Identifiers: ClinVar variation 259422 (VCV000259422.27), dbSNP rs1559013, ClinGen allele CA1956009.
Genomic context (GRCh38, chr2:169,362,306, plus strand): 5'-CGGCCTCCCGCGGACCCGACCCTGCCACAGCCGGGGAAGTGGGGGCTCCACGAGAGGCTC[T>C]GGCTGGGCTCTTACCTTGGCCACTGGCCGGCGCTAGGCAGGCGACGAGAGCCAGGAGCAG-3'

ClinVar aggregate classification (germline): Benign/Likely benign. Review status: criteria provided, multiple submitters, no conflicts (2 of 4 stars). 10 submissions from 10 submitters: Benign (7); Likely benign (1). 2 of the submissions do not count toward it. Last evaluated 2026-02-04.

Conditions:
Donnai-Barrow syndrome. Also called: DBS/FOAR SYNDROME; FACIOOCULOACOUSTICORENAL SYNDROME. Identifiers: Orphanet 2143, MedGen C1857277, MONDO:0009104, OMIM 222448.

Allele frequency attached by ClinVar (database versions not stated): 1000 Genomes Project 30x 0.98392; 1000 Genomes Project 0.98462; TOPMed 0.98730; ESP Exome Variant Server 0.98853; gnomAD 0.98894 and 0.98948; ExAC 0.99639; gnomAD exomes 0.99766 and 0.99895.
gnomAD v4.1: 1,548,703 of 1,551,864 alleles (100%); highest among the groups gnomAD compares: East Asian, 100%; 772,835 homozygotes.

Submissions (10):

Labcorp Genetics (formerly Invitae), Labcorp
Classification: Benign. Last evaluated: 2026-02-04. Review status: criteria provided, single submitter. Criteria: Invitae Variant Classification Sherloc (09022015). Collection method: clinical testing. Allele origin: germline.

Blueprint Genetics
Classification: Benign. Last evaluated: 2024-11-26. Review status: criteria provided, single submitter. Criteria: ACMG Guidelines, 2015. Collection method: clinical testing. Allele origin: germline.

Fulgent Genetics
Classification: Likely benign for Donnai-Barrow syndrome. Last evaluated: 2022-03-14. Review status: criteria provided, single submitter. Criteria: ACMG Guidelines, 2015. Collection method: clinical testing. Allele origin: unknown.

Genome-Nilou Lab
Classification: Benign for Donnai-Barrow syndrome. Last evaluated: 2021-08-19. Review status: criteria provided, single submitter. Criteria: ACMG Guidelines, 2015. Collection method: clinical testing. Allele origin: germline. Affected: no.

Illumina Laboratory Services, Illumina
Classification: Benign for Donnai-Barrow syndrome. Last evaluated: 2018-01-13. Review status: criteria provided, single submitter. Criteria: ICSL Variant Classification Criteria 13 December 2019. Collection method: clinical testing. Allele origin: germline.
Comment: This variant was observed in the ICSL laboratory as part of a predisposition screen in an ostensibly healthy population. It had not been previously curated by ICSL or reported in the Human Gene Mutation Database (HGMD: prior to June 1st, 2018), and was therefore a candidate for classification through an automated scoring system. Utilizing variant allele frequency, disease prevalence and penetrance estimates, and inheritance mode, an automated score was calculated to assess if this variant is too frequent to cause the disease. Based on the score and internal cut-off values, a variant classified as benign is not then subjected to further curation. The score for this variant resulted in a classification of benign for this disease.

GeneDx
Classification: Benign. Last evaluated: 2015-03-03. Review status: criteria provided, single submitter. Criteria: GeneDx Variant Classification Process June 2021. Collection method: clinical testing. Allele origin: germline. Affected: yes.

Breakthrough Genomics
Classification: Benign. Review status: criteria provided, single submitter. Criteria: ACMG Guidelines, 2015. Collection method: not provided. Allele origin: germline. Inheritance: Autosomal recessive inheritance. Affected: yes.

PreventionGenetics, part of Exact Sciences
Classification: Benign. Review status: criteria provided, single submitter. Criteria: ACMG Guidelines, 2015. Collection method: clinical testing. Allele origin: germline.

Diagnostic Laboratory, Department of Genetics, University Medical Center Groningen
Classification: Benign. Review status: no assertion criteria provided. Collection method: clinical testing. Allele origin: germline. Affected: yes. Study: VKGL Data-share Consensus. Not counted in ClinVar's aggregate classification.

Joint Genome Diagnostic Labs from Nijmegen and Maastricht, Radboudumc and MUMC+
Classification: Benign. Review status: no assertion criteria provided. Collection method: clinical testing. Allele origin: germline. Affected: yes. Study: VKGL Data-share Consensus. Not counted in ClinVar's aggregate classification.